The following is an entry in ClinVar:

NM_001113491.2(SEPTIN9):c.722-6578G>A

Gene: SEPTIN9 (septin 9; plus strand). Cytogenetic location: 17q25.3.
Variant type: single nucleotide variant.
Coding change: c.722-6578G>A on transcript NM_001113491.2 (MANE Select); 6578 bases into the intron before coding-DNA position 722, G replaced by A.
Molecular consequence: intron variant.
Genome position (GRCh38, 1-based): chr17:77,475,566, G>A. VCF-style: chr17-77475566-G-A. GRCh37 (hg19) VCF-style: chr17-75471648-G-A.
Other names: c.665-6578G>A (NM_001293695.2); c.230-6578G>A (NM_001113492.2, NM_001113494.1); c.668-6578G>A (NM_006640.5); c.701-6578G>A (NM_001113493.2); c.50-6578G>A (NM_001293696.2); c.-32-6578G>A (NM_001113496.2, NM_001293697.2, NM_001293698.2).
Identifiers: ClinVar variation 3051290 (VCV003051290.2), dbSNP rs762713740, ClinGen allele CA8793402.

ClinVar aggregate classification (germline): Likely benign (0 of 4 stars; one submission).

Conditions:
SEPTIN9-related disorder. Also called: SEPTIN9-related condition.

Allele frequency attached by ClinVar (database versions not stated): ExAC 0.00001.
gnomAD v4.1: 19 of 1,613,252 alleles (0.0012%); highest among the groups gnomAD compares: Middle Eastern, 0.017%; no homozygotes.

Submission:

PreventionGenetics, part of Exact Sciences
Classification: Likely benign for SEPTIN9-related condition. Last evaluated: 2019-02-22. Review status: no assertion criteria provided. Collection method: clinical testing. Allele origin: germline.
Comment: This variant is classified as likely benign based on ACMG/AMP sequence variant interpretation guidelines (Richards et al. 2015 PMID: 25741868, with internal and published modifications).